The following is an entry in ClinVar:

NM_021814.5(ELOVL5):c.842C>T (p.Thr281Ile)

Gene: ELOVL5 (ELOVL fatty acid elongase 5; minus strand). Cytogenetic location: 6p12.1.
Variant type: single nucleotide variant.
Coding change: c.842C>T on transcript NM_021814.5 (MANE Select); coding-DNA position 842, C replaced by T.
Protein change: p.Thr281Ile; replaces threonine 281 with isoleucine.
Molecular consequence: missense variant. On other transcripts: synonymous variant (1).
Genome position (GRCh38, 1-based): chr6:53,269,185, G>A on the plus strand (C>T on the coding strand, the complement: ELOVL5 is on the minus strand). VCF-style: chr6-53269185-G-A. GRCh37 (hg19) VCF-style: chr6-53133983-G-A.
Other names: c.923C>T, p.Thr308Ile (NM_001242828.2); c.717C>T, p.His239= (NM_001242830.2); c.842C>T, p.Thr281Ile (NM_001301856.2); short protein forms T281I, T308I.
Identifiers: ClinVar variation 1899871 (VCV001899871.6), dbSNP rs767300070, ClinGen allele CA3859609.

ClinVar aggregate classification (germline): Uncertain significance. Review status: criteria provided, multiple submitters, no conflicts (2 of 4 stars). 2 submissions from 2 submitters: Uncertain significance (2). Last evaluated 2025-12-23.

Allele frequency attached by ClinVar (database versions not stated): TOPMed 0.00004.
gnomAD v4.1: 24 of 1,613,992 alleles (0.0015%); highest among the groups gnomAD compares: Non-Finnish European, 0.0018%; no homozygotes.

Submissions (2):

Women's Health and Genetics/Laboratory Corporation of America, LabCorp
Classification: Uncertain significance. Last evaluated: 2025-12-23. Review status: criteria provided, single submitter. Criteria: LabCorp Variant Classification Summary - May 2015. Collection method: clinical testing. Allele origin: germline.
Comment: Variant summary: ELOVL5 c.842C>T (p.Thr281Ile) results in a non-conservative amino acid change in the encoded protein sequence. Algorithms developed to predict the effect of missense changes on protein structure and function are either unavailable or do not agree on the potential impact of this missense change. The variant allele was found at a frequency of 8e-06 in 250784 control chromosomes. The available data on variant occurrences in the general population are insufficient to allow any conclusion about variant significance. To our knowledge, no occurrence of c.842C>T in individuals affected with ELOVL5-related conditions and no experimental evidence demonstrating its impact on protein function have been reported. ClinVar contains an entry for this variant (Variation ID: 1899871). Based on the evidence outlined above, the variant was classified as uncertain significance.

Labcorp Genetics (formerly Invitae), Labcorp
Classification: Uncertain significance. Last evaluated: 2023-12-11. Review status: criteria provided, single submitter. Criteria: Invitae Variant Classification Sherloc (09022015). Collection method: clinical testing. Allele origin: germline.
Comment: This sequence change replaces threonine, which is neutral and polar, with isoleucine, which is neutral and non-polar, at codon 281 of the ELOVL5 protein (p.Thr281Ile). This variant is present in population databases (rs767300070, gnomAD 0.002%). This variant has not been reported in the literature in individuals affected with ELOVL5-related conditions. ClinVar contains an entry for this variant (Variation ID: 1899871). An algorithm developed to predict the effect of missense changes on protein structure and function (PolyPhen-2) suggests that this variant is likely to be tolerated. In summary, the available evidence is currently insufficient to determine the role of this variant in disease. Therefore, it has been classified as a Variant of Uncertain Significance.